The following is an entry in ClinVar:

NM_001039141.3(TRIOBP):c.1866_1867del (p.Asp622fs)

Gene: TRIOBP (TRIO and F-actin binding protein; plus strand). Cytogenetic location: 22q13.1.
Variant type: Deletion.
Coding change: c.1866_1867del on transcript NM_001039141.3 (MANE Select); coding-DNA positions 1866 to 1867, 2 bases deleted (TA; older notation c.1866_1867delTA).
Protein change: p.Asp622fs; shifts the reading frame from aspartic acid 622.
Molecular consequence: frameshift variant.
Genome position (GRCh38, 1-based): chr22:37,724,422-37,724,423, TA deleted; deleting any 2 consecutive bases within chr22:37,724,421-37,724,423 gives the same sequence; the c. name uses the placement nearest the transcript's 3' end. VCF-style (leftmost placement, unchanged base first): chr22-37724420-GAT-G. GRCh37 (hg19) VCF-style: chr22-38120427-GAT-G.
Other names: short protein forms D622fs.
Identifiers: ClinVar variation 1049676 (VCV001049676.1), dbSNP rs2145833327, ClinGen allele CA2499226181.

ClinVar aggregate classification (germline): Likely pathogenic (0 of 4 stars; one submission).

Submission:

Department of Pathology and Laboratory Medicine, Sinai Health System
Classification: Likely pathogenic. Review status: no assertion criteria provided. Collection method: clinical testing. Allele origin: unknown. Affected: yes. Study: The Canadian Open Genetics Repository (COGR).
Comment: The TRIOBP p.Asp622Glufs*42 variant was not identified in the literature nor was it identified in dbSNP, ClinVar or in the following control databases: the 1000 Genomes Project, the NHLBI GO Exome Sequencing Project, the Exome Aggregation Consortium (August 8th 2016), or the Genome Aggregation Database (March 6, 2019, v2.1.1). The c.1866_1867del variant is predicted to cause a frameshift, which alters the protein's amino acid sequence beginning at codon 622 and leads to a premature stop codon 42 codons downstream. This alteration is then predicted to result in a truncated or absent protein and loss of function. Loss of function variants of the TRIOBP gene are an established mechanism of disease in Deafness, autosomal recessive 28 and are the type of variants expected to cause the disorder when found in the homozygous or compound heterozygous state. In summary, based on the above information the clinical significance of this variant cannot be determined with certainty at this time although we would lean towards a more pathogenic role for this variant. This variant is classified as likely pathogenic.